The following is an entry in ClinVar:

NM_001379270.1(CNGA1):c.817C>T (p.Arg273Trp)

Genes: CNGA1 (cyclic nucleotide gated channel subunit alpha 1; minus strand), LOC101927157 (uncharacterized LOC101927157; plus strand). Cytogenetic location: 4p12.
Variant type: single nucleotide variant.
Coding change: c.817C>T on transcript NM_001379270.1 (MANE Select); coding-DNA position 817, C replaced by T.
Protein change: p.Arg273Trp; replaces arginine 273 with tryptophan.
Molecular consequence: missense variant.
Genome position (GRCh38, 1-based): chr4:47,937,665, G>A on the plus strand (C>T on the coding strand, the complement: CNGA1 is on the minus strand). VCF-style: chr4-47937665-G-A. GRCh37 (hg19) VCF-style: chr4-47939682-G-A.
Other names: c.817C>T, p.Arg273Trp (NM_001142564.2, NM_000087.5); short protein forms R273W.
Identifiers: ClinVar variation 1015996 (VCV001015996.8), dbSNP rs999576624, ClinGen allele CA96689436.
Genomic context (GRCh38, chr4:47,937,665, plus strand): 5'-TGTTTGGATAGTTTGTCCTTGTTTCTGTTCTCTGGAAGAACTCAAACATACGAGAGAACC[G>A]TAACAACCTGTTTAATCTAATTTCTGGATAGTTCCACCCTAACTTAAAATACAGCAAATC-3'
Protein context (NP_001366199.1, residues 263-283): YPEIRLNRLL[Arg273Trp]FSRMFEFFQR

ClinVar aggregate classification (germline): Uncertain significance. Review status: criteria provided, multiple submitters, no conflicts (2 of 4 stars). 2 submissions from 2 submitters: Uncertain significance (2). Last evaluated 2024-09-04.

Allele frequency attached by ClinVar (database versions not stated): gnomAD exomes 0.00002; TOPMed 0.00002.
gnomAD v4.1: 29 of 1,614,084 alleles (0.0018%); highest among the groups gnomAD compares: African/African-American, 0.013%; no homozygotes.

Submissions (2):

Labcorp Genetics (formerly Invitae), Labcorp
Classification: Uncertain significance. Last evaluated: 2024-09-04. Review status: criteria provided, single submitter. Criteria: Invitae Variant Classification Sherloc (09022015). Collection method: clinical testing. Allele origin: germline.
Comment: This sequence change replaces arginine, which is basic and polar, with tryptophan, which is neutral and slightly polar, at codon 277 of the CNGA1 protein (p.Arg277Trp). The frequency data for this variant in the population databases is considered unreliable, as metrics indicate poor data quality at this position in the gnomAD database. This missense change has been observed in individual(s) with retinitis pigmentosa (PMID: 24265693). This variant is also known as c.1036C>T (p.Arg346Trp). ClinVar contains an entry for this variant (Variation ID: 1015996). An algorithm developed to predict the effect of missense changes on protein structure and function (PolyPhen-2) suggests that this variant is likely to be disruptive. This variant disrupts the p.Arg277 amino acid residue in CNGA1. Other variant(s) that disrupt this residue have been observed in individuals with CNGA1-related conditions (PMID: 26806561), which suggests that this may be a clinically significant amino acid residue. In summary, the available evidence is currently insufficient to determine the role of this variant in disease. Therefore, it has been classified as a Variant of Uncertain Significance.

Blueprint Genetics
Classification: Uncertain significance. Last evaluated: 2023-04-04. Review status: criteria provided, single submitter. Criteria: ACMG Guidelines, 2015. Collection method: clinical testing. Allele origin: germline.

Literature cited by the submitters: PubMed 24265693 (cited by Labcorp Genetics (formerly Invitae), Labcorp); PubMed 26806561 (cited by Labcorp Genetics (formerly Invitae), Labcorp).